The following is an entry in ClinVar:

GRCh38/hg38 15q21.3(chr15:57079077-57200628)x1

Genes: TCF12 (transcription factor 12; plus strand), LOC110120859 (VISTA enhancer hs357; plus strand), LOC110120911 (VISTA enhancer hs623; plus strand), LOC129390707 (MPRA-validated peak2352 silencer; plus strand). Cytogenetic location: 15q21.3.
Variant type: copy number loss.
Change: copy number 1 (one copy instead of two) of chr15:57,079,077-57,200,628 (121.6 kb, GRCh38 coordinates, 1-based), cytogenetic band 15q21.3.
Identifiers: ClinVar variation 4796360 (VCV004796360.1).

ClinVar aggregate classification (germline): Likely pathogenic (1 of 4 stars; one submission).

Submission:

Medical Genetic Center, Changzhi Maternal and Child Health Care Hospital
Classification: Likely pathogenic. Last evaluated: 2025-12-10. Review status: criteria provided, single submitter. Criteria: ACMG/ClinGen CNV Guidelines, 2019. Collection method: clinical testing. Allele origin: unknown.
Comment: 2E:TCF12 partial deletion (exons 5-8),PVS1=0.90